The following is an entry in ClinVar:

NM_005477.3(HCN4):c.1759C>T (p.Arg587Trp)

Gene: HCN4 (hyperpolarization activated cyclic nucleotide gated potassium channel 4; minus strand). Cytogenetic location: 15q24.1.
Variant type: single nucleotide variant.
Coding change: c.1759C>T on transcript NM_005477.3 (MANE Select); coding-DNA position 1759, C replaced by T.
Protein change: p.Arg587Trp; replaces arginine 587 with tryptophan.
Molecular consequence: missense variant.
Genome position (GRCh38, 1-based): chr15:73,325,174, G>A on the plus strand (C>T on the coding strand, the complement: HCN4 is on the minus strand). VCF-style: chr15-73325174-G-A. GRCh37 (hg19) VCF-style: chr15-73617515-G-A.
Other names: c.1759C>T (NM_005477.2); short protein forms R587W.
Identifiers: ClinVar variation 2711961 (VCV002711961.4), dbSNP rs767228162, ClinGen allele CA7649189.

ClinVar aggregate classification (germline): Uncertain significance. Review status: criteria provided, multiple submitters, no conflicts (2 of 4 stars). 2 submissions from 2 submitters: Uncertain significance (2). Last evaluated 2026-01-05.

Conditions:
Brugada syndrome 8 (BRGDA8). Identifiers: Orphanet 130, MedGen C2751083, MONDO:0013148, OMIM 613123.
Cardiovascular phenotype. Identifiers: MedGen CN230736.

Allele frequency attached by ClinVar (database versions not stated): gnomAD exomes below 0.00001; TOPMed below 0.00001; ExAC 0.00001; gnomAD 0.00001.
gnomAD v4.1: 8 of 1,614,064 alleles (0.0005%); highest among the groups gnomAD compares: East Asian, 0.0022%; no homozygotes.

Submissions (2):

Labcorp Genetics (formerly Invitae), Labcorp
Classification: Uncertain significance for Brugada syndrome 8. Last evaluated: 2026-01-05. Review status: criteria provided, single submitter. Criteria: Invitae Variant Classification Sherloc (09022015). Collection method: clinical testing. Allele origin: germline.
Comment: This sequence change replaces arginine, which is basic and polar, with tryptophan, which is neutral and slightly polar, at codon 587 of the HCN4 protein (p.Arg587Trp). This variant is present in population databases (rs767228162, gnomAD 0.006%). This variant has not been reported in the literature in individuals affected with HCN4-related conditions. ClinVar contains an entry for this variant (Variation ID: 2711961). Invitae Evidence Modeling of protein sequence and biophysical properties (such as structural, functional, and spatial information, amino acid conservation, physicochemical variation, residue mobility, and thermodynamic stability) has been performed for this missense variant. However, the output from this modeling did not meet the statistical confidence thresholds required to predict the impact of this variant on HCN4 protein function. In summary, the available evidence is currently insufficient to determine the role of this variant in disease. Therefore, it has been classified as a Variant of Uncertain Significance.

Ambry Genetics
Classification: Uncertain significance for Cardiovascular phenotype. Last evaluated: 2025-08-05. Review status: criteria provided, single submitter. Criteria: Ambry Variant Classification Scheme 2023. Collection method: clinical testing. Allele origin: germline.